The following is an entry in ClinVar:

NM_178857.6(RP1L1):c.40C>T (p.Arg14Cys)

Gene: RP1L1 (RP1 like 1). Cytogenetic location: 8p23.1.
Variant type: single nucleotide variant.
Coding change: c.40C>T on transcript NM_178857.6 (MANE Select); coding-DNA position 40, C replaced by T.
Protein change: p.Arg14Cys; replaces arginine 14 with cysteine.
Molecular consequence: missense variant.
Genome position (GRCh38, 1-based): chr8:10,623,162, G>A on the plus strand (C>T on the coding strand, the complement: RP1L1 is on the minus strand). VCF-style: chr8-10623162-G-A. GRCh37 (hg19) VCF-style: chr8-10480672-G-A.
Other names: short protein forms R14C.
Identifiers: ClinVar variation 910594 (VCV000910594.15), dbSNP rs765708710, ClinGen allele CA4625908.

ClinVar aggregate classification (germline): Conflicting classifications of pathogenicity. Review status: criteria provided, conflicting classifications (1 of 4 stars). 5 submissions from 5 submitters: Uncertain significance (3); Likely benign (2). Last evaluated 2026-04-20.

Conditions:
Inborn genetic diseases. Identifiers: MedGen C0950123, MeSH D030342.
Occult macular dystrophy (OCMD). Also called: OMD; OCCULT MACULAR DYSTROPHY, SUSCEPTIBILITY TO. Identifiers: Orphanet 247834, MedGen C3150833, MONDO:0013316, OMIM 613587, HP:0030636.
RP1L1-related disorder. Also called: RP1L1-related condition.

Allele frequency attached by ClinVar (database versions not stated): gnomAD 0.00006 and 0.00007; TOPMed 0.00006; ExAC 0.00008.
gnomAD v4.1: 138 of 1,587,504 alleles (0.0087%); highest among the groups gnomAD compares: South Asian, 0.042%; 1 homozygote.

Submissions (5):

PreventionGenetics, part of Exact Sciences
Classification: Uncertain significance for RP1L1-related condition. Last evaluated: 2026-04-20. Review status: criteria provided, single submitter. Criteria: ACMG Guidelines, 2015. Collection method: clinical testing. Allele origin: germline.
Comment: The RP1L1 c.40C>T variant is predicted to result in the amino acid substitution p.Arg14Cys. To our knowledge, this variant has not been reported in the literature. This variant is reported in 0.041% of alleles in individuals of South Asian descent in gnomAD. At this time, the clinical significance of this variant is uncertain due to the absence of conclusive functional and genetic evidence.

Labcorp Genetics (formerly Invitae), Labcorp
Classification: Likely benign. Last evaluated: 2025-05-27. Review status: criteria provided, single submitter. Criteria: Invitae Variant Classification Sherloc (09022015). Collection method: clinical testing. Allele origin: germline.

Ambry Genetics
Classification: Uncertain significance for Inborn genetic diseases. Last evaluated: 2025-01-23. Review status: criteria provided, single submitter. Criteria: Ambry Variant Classification Scheme 2023. Collection method: clinical testing. Allele origin: germline.

Blueprint Genetics
Classification: Uncertain significance. Last evaluated: 2024-11-19. Review status: criteria provided, single submitter. Criteria: ACMG Guidelines, 2015. Collection method: clinical testing. Allele origin: germline.

Illumina Laboratory Services, Illumina
Classification: Likely benign for Occult macular dystrophy. Last evaluated: 2018-01-13. Review status: criteria provided, single submitter. Criteria: ICSL Variant Classification Criteria 13 December 2019. Collection method: clinical testing. Allele origin: germline.
Comment: This variant was observed in the ICSL laboratory as part of a predisposition screen in an ostensibly healthy population. It had not been previously curated by ICSL or reported in the Human Gene Mutation Database (HGMD: prior to June 1st, 2018), and was therefore a candidate for classification through an automated scoring system. Utilizing variant allele frequency, disease prevalence and penetrance estimates, and inheritance mode, an automated score was calculated to assess if this variant is too frequent to cause the disease. Based on the score and internal cut-off values, a variant classified as likely benign is not then subjected to further curation. The score for this variant resulted in a classification of likely benign for this disease.